The following is an entry in ClinVar:

NM_001126108.2(SLC12A3):c.2595A>C (p.Val865=)

Gene: SLC12A3 (solute carrier family 12 member 3; plus strand). Cytogenetic location: 16q13.
Variant type: single nucleotide variant.
Coding change: c.2595A>C on transcript NM_001126108.2 (MANE Select); coding-DNA position 2595, A replaced by C.
Protein change: p.Val865=; no amino-acid change (valine 865 retained).
Molecular consequence: synonymous variant.
Genome position (GRCh38, 1-based): chr16:56,894,604, A>C. VCF-style: chr16-56894604-A-C. GRCh37 (hg19) VCF-style: chr16-56928516-A-C.
Other names: c.2622A>C, p.Val874= (NM_000339.3); c.2619A>C, p.Val873= (NM_001126107.2); c.2622A>C (NM_000339.2).
Identifiers: ClinVar variation 1143636 (VCV001143636.12), dbSNP rs146730493, ClinGen allele CA8069976.

ClinVar aggregate classification (germline): Likely benign. Review status: criteria provided, multiple submitters, no conflicts (2 of 4 stars). 3 submissions from 3 submitters: Likely benign (2). 1 of the submissions does not count toward it. Last evaluated 2024-02-13.

Conditions:
SLC12A3-related disorder. Also called: SLC12A3-related condition.

Allele frequency attached by ClinVar (database versions not stated): gnomAD exomes 0.00003 and 0.00005; ExAC 0.00005; gnomAD 0.00006; TOPMed 0.00006; ESP Exome Variant Server 0.00015.
gnomAD v4.1: 58 of 1,613,972 alleles (0.0036%); highest among the groups gnomAD compares: Non-Finnish European, 0.0046%; no homozygotes.

Submissions (3):

Labcorp Genetics (formerly Invitae), Labcorp
Classification: Likely benign. Last evaluated: 2024-02-13. Review status: criteria provided, single submitter. Criteria: Invitae Variant Classification Sherloc (09022015). Collection method: clinical testing. Allele origin: germline.

Blueprint Genetics
Classification: Likely benign. Last evaluated: 2023-12-22. Review status: criteria provided, single submitter. Criteria: ACMG Guidelines, 2015. Collection method: clinical testing. Allele origin: germline.

PreventionGenetics, part of Exact Sciences
Classification: Likely benign for SLC12A3-related condition. Last evaluated: 2019-05-07. Review status: no assertion criteria provided. Collection method: clinical testing. Allele origin: germline. Not counted in ClinVar's aggregate classification.
Comment: This variant is classified as likely benign based on ACMG/AMP sequence variant interpretation guidelines (Richards et al. 2015 PMID: 25741868, with internal and published modifications).